The following is an entry in ClinVar:

NM_006767.4(LZTR1):c.1031C>A (p.Ser344Tyr)

Gene: LZTR1 (leucine zipper like post translational regulator 1; plus strand). Cytogenetic location: 22q11.21.
Variant type: single nucleotide variant.
Coding change: c.1031C>A on transcript NM_006767.4 (MANE Select); coding-DNA position 1031, C replaced by A.
Protein change: p.Ser344Tyr; replaces serine 344 with tyrosine.
Molecular consequence: missense variant.
Genome position (GRCh38, 1-based): chr22:20,992,251, C>A. VCF-style: chr22-20992251-C-A. GRCh37 (hg19) VCF-style: chr22-21346540-C-A.
Other names: short protein forms S344Y.
Identifiers: ClinVar variation 1771229 (VCV001771229.5), dbSNP rs1924632209, ClinGen allele CA410781830.

ClinVar aggregate classification (germline): Conflicting classifications of pathogenicity. Review status: criteria provided, conflicting classifications (1 of 4 stars). 3 submissions from 3 submitters: Uncertain significance (2); Likely benign (1). Last evaluated 2025-12-29.

Conditions:
LZTR1-related schwannomatosis. Also called: Schwannomatosis 2; Schwannomatosis-2, susceptibility to. Identifiers: Orphanet 93921, MedGen C3810283, MONDO:0014299, OMIM 615670.
Cardiovascular phenotype. Identifiers: MedGen CN230736.
Hereditary cancer-predisposing syndrome. Also called: Hereditary Cancer Syndrome; Hereditary neoplastic syndrome; Neoplastic Syndromes, Hereditary; Tumor predisposition. Identifiers: Orphanet 140162, MedGen C0027672, MeSH D009386, MONDO:0015356.

Allele frequency attached by ClinVar (database versions not stated): gnomAD 0.00001.
gnomAD v4.1: 1 of 1,613,868 alleles (0.000062%); highest among the groups gnomAD compares: Non-Finnish European, 0.000085%; no homozygotes.

Submissions (3):

Labcorp Genetics (formerly Invitae), Labcorp
Classification: Uncertain significance. Last evaluated: 2025-12-29. Review status: criteria provided, single submitter. Criteria: Invitae Variant Classification Sherloc (09022015). Collection method: clinical testing. Allele origin: germline.
Comment: This sequence change replaces serine, which is neutral and polar, with tyrosine, which is neutral and polar, at codon 344 of the LZTR1 protein (p.Ser344Tyr). This variant is not present in population databases (gnomAD no frequency). This variant has not been reported in the literature in individuals affected with LZTR1-related conditions. ClinVar contains an entry for this variant (Variation ID: 1771229). Invitae Evidence Modeling of protein sequence and biophysical properties (such as structural, functional, and spatial information, amino acid conservation, physicochemical variation, residue mobility, and thermodynamic stability) indicates that this missense variant is not expected to disrupt LZTR1 protein function with a negative predictive value of 80%. In summary, the available evidence is currently insufficient to determine the role of this variant in disease. Therefore, it has been classified as a Variant of Uncertain Significance.

Ambry Genetics
Classification: Likely benign for Cardiovascular phenotype; Hereditary cancer-predisposing syndrome. Last evaluated: 2024-01-09. Review status: criteria provided, single submitter. Criteria: Ambry Variant Classification Scheme 2023. Collection method: clinical testing. Allele origin: germline.

Baylor Genetics
Classification: Uncertain significance for LZTR1-related schwannomatosis. Last evaluated: 2023-09-28. Review status: criteria provided, single submitter. Criteria: ACMG Guidelines, 2015. Collection method: clinical testing. Allele origin: unknown.